The following is an entry in ClinVar:

ClinVar aggregate classification (germline): Uncertain significance. Review status: criteria provided, multiple submitters, no conflicts (2 of 4 stars). 3 submissions from 3 submitters: Uncertain significance (3). Last evaluated 2026-01-27.

Conditions:
Hereditary cancer-predisposing syndrome. Also called: Neoplastic Syndromes, Hereditary; Hereditary neoplastic syndrome; Tumor predisposition; Hereditary Cancer Syndrome. Identifiers: Orphanet 140162, MedGen C0027672, MeSH D009386, MONDO:0015356.
Familial cancer of breast. Also called: Hereditary breast cancer; BREAST CANCER, FAMILIAL; hereditary breast carcinoma. Identifiers: Orphanet 227535, MedGen C0346153, MONDO:0016419, OMIM 114480. Disease mechanism: loss of function.

Submissions (3):

Ambry Genetics
Classification: Uncertain significance for Hereditary cancer-predisposing syndrome. Last evaluated: 2026-01-27. Review status: criteria provided, single submitter. Criteria: Ambry Variant Classification Scheme 2023. Collection method: clinical testing. Allele origin: germline.
Comment: The c.715_717delAGA variant (also known as p.R239del) is located in coding exon 4 of the PALB2 gene. This variant results from an in-frame AGA deletion at nucleotide positions 715 to 717. This results in the in-frame deletion of an arginine at codon 239. This amino acid position is poorly conserved in available vertebrate species. In addition, the in silico prediction for this variant is inconclusive (Choi Y et al. PLoS ONE. 2012; 7(10):e46688). Based on the available evidence, the clinical significance of this variant remains unclear.

Labcorp Genetics (formerly Invitae), Labcorp
Classification: Uncertain significance for Familial cancer of breast. Last evaluated: 2026-01-15. Review status: criteria provided, single submitter. Criteria: Invitae Variant Classification Sherloc (09022015). Collection method: clinical testing. Allele origin: germline.
Comment: This variant, c.715_717del, results in the deletion of 1 amino acid(s) of the PALB2 protein (p.Arg239del), but otherwise preserves the integrity of the reading frame. This variant is not present in population databases (gnomAD no frequency). This variant has not been reported in the literature in individuals affected with PALB2-related conditions. ClinVar contains an entry for this variant (Variation ID: 580893). Experimental studies and prediction algorithms are not available or were not evaluated, and the functional significance of this variant is currently unknown. In summary, the available evidence is currently insufficient to determine the role of this variant in disease. Therefore, it has been classified as a Variant of Uncertain Significance.

Color Diagnostics, LLC DBA Color Health
Classification: Uncertain significance for Hereditary cancer-predisposing syndrome. Last evaluated: 2020-04-07. Review status: criteria provided, single submitter. Criteria: ACMG Guidelines, 2015. Collection method: clinical testing. Allele origin: germline.
Comment: This variant causes an in-frame deletion of one amino acid at exon 4 of the PALB2 protein. To our knowledge, functional studies have not been reported for this variant. This variant has not been reported in individuals affected with hereditary cancer in the literature. This variant has not been identified in the general population by the Genome Aggregation Database (gnomAD). The available evidence is insufficient to determine the role of this variant in disease conclusively. Therefore, this variant is classified as a Variant of Uncertain Significance.

NM_024675.4(PALB2):c.712AGA[1] (p.Arg239del)

Gene: PALB2 (partner and localizer of BRCA2; minus strand). Cytogenetic location: 16p12.2.
Variant type: Microsatellite.
Coding change: c.712AGA[1] on transcript NM_024675.4 (MANE Select); one copy of the 3-base unit AGA starting at c.712; the reference has two copies in a row; one copy, 3 bases deleted.
Protein change: p.Arg239del; deletes arginine 239.
Molecular consequence: inframe deletion.
Genome position (GRCh38, 1-based): chr16:23,635,829-23,635,831, TCT deleted on the plus strand (AGA on the coding strand, the reverse complement: PALB2 is on the minus strand); deleting any 3 consecutive bases within chr16:23,635,829-23,635,835 gives the same sequence; the position shown is the placement nearest the transcript's 3' end. VCF-style (leftmost placement, unchanged base first): chr16-23635828-GTCT-G. GRCh37 (hg19) VCF-style: chr16-23647149-GTCT-G.
Other names: c.715_717delAGA (NM_024675.3); short protein forms R239del.
Identifiers: ClinVar variation 580893 (VCV000580893.14), dbSNP rs1567222475, ClinGen allele CA891844530.